The following is an entry in ClinVar:

NM_138295.5(PKD1L1):c.7795A>G (p.Met2599Val)

Genes: PKD1L1 (polycystin 1 like 1, transient receptor potential channel interacting; minus strand), PKD1L1-AS1 (PKD1L1 antisense RNA 1; plus strand). Cytogenetic location: 7p12.3.
Variant type: single nucleotide variant.
Coding change: c.7795A>G on transcript NM_138295.5 (MANE Select); coding-DNA position 7795, A replaced by G.
Protein change: p.Met2599Val; replaces methionine 2599 with valine.
Molecular consequence: missense variant.
Genome position (GRCh38, 1-based): chr7:47,808,279, T>C on the plus strand (A>G on the coding strand, the complement: PKD1L1 is on the minus strand). VCF-style: chr7-47808279-T-C. GRCh37 (hg19) VCF-style: chr7-47847877-T-C.
Other names: c.7795A>G (NM_138295.3); short protein forms M2599V.
Identifiers: ClinVar variation 1328049 (VCV001328049.10), dbSNP rs140233929, ClinGen allele CA4251922.

ClinVar aggregate classification (germline): Likely benign. Review status: criteria provided, multiple submitters, no conflicts (2 of 4 stars). 6 submissions from 6 submitters: Likely benign (4). 2 of the submissions do not count toward it. Last evaluated 2025-09-05.

Conditions:
PKD1L1-related disorder. Also called: PKD1L1-related condition.
Inborn genetic diseases. Identifiers: MedGen C0950123, MeSH D030342.

Allele frequency attached by ClinVar (database versions not stated): ESP Exome Variant Server 0.00015; gnomAD exomes 0.00016 and 0.00027; gnomAD 0.00021; TOPMed 0.00022; ExAC 0.00029.
gnomAD v4.1: 269 of 1,614,046 alleles (0.017%); highest among the groups gnomAD compares: Middle Eastern, 0.12%; no homozygotes.

Submissions (6):

Labcorp Genetics (formerly Invitae), Labcorp
Classification: Likely benign. Last evaluated: 2025-09-05. Review status: criteria provided, single submitter. Criteria: Invitae Variant Classification Sherloc (09022015). Collection method: clinical testing. Allele origin: germline.

PreventionGenetics, part of Exact Sciences
Classification: Likely benign for PKD1L1-related condition. Last evaluated: 2025-08-20. Review status: criteria provided, single submitter. Criteria: ACMG Guidelines, 2015. Collection method: clinical testing. Allele origin: germline.
Comment: This variant is classified as likely benign based on ACMG/AMP sequence variant interpretation guidelines (Richards et al. 2015 PMID: 25741868, with internal and published modifications).

Ambry Genetics
Classification: Likely benign for Inborn genetic diseases. Last evaluated: 2022-04-22. Review status: criteria provided, single submitter. Criteria: Ambry Variant Classification Scheme 2023. Collection method: clinical testing. Allele origin: germline.

Breakthrough Genomics
Classification: Likely benign. Review status: criteria provided, single submitter. Criteria: ACMG Guidelines, 2015. Collection method: not provided. Allele origin: germline. Inheritance: Autosomal recessive inheritance. Affected: yes.

Clinical Genetics DNA and cytogenetics Diagnostics Lab, Erasmus MC, Erasmus Medical Center
Classification: Likely benign. Review status: no assertion criteria provided. Collection method: clinical testing. Allele origin: germline. Affected: yes. Study: VKGL Data-share Consensus. Not counted in ClinVar's aggregate classification.

Genome Diagnostics Laboratory, University Medical Center Utrecht
Classification: Likely benign. Review status: no assertion criteria provided. Collection method: clinical testing. Allele origin: germline. Affected: yes. Study: VKGL Data-share Consensus. Not counted in ClinVar's aggregate classification.